The following is an entry in ClinVar:

NM_139318.5(KCNH5):c.2068C>G (p.Leu690Val)

Gene: KCNH5 (potassium voltage-gated channel subfamily H member 5; minus strand). Cytogenetic location: 14q23.2.
Variant type: single nucleotide variant.
Coding change: c.2068C>G on transcript NM_139318.5 (MANE Select); coding-DNA position 2068, C replaced by G.
Protein change: p.Leu690Val; replaces leucine 690 with valine.
Molecular consequence: missense variant. On other transcripts: 3 prime UTR variant (1).
Genome position (GRCh38, 1-based): chr14:62,708,407, G>C on the plus strand (C>G on the coding strand, the complement: KCNH5 is on the minus strand). VCF-style: chr14-62708407-G-C. GRCh37 (hg19) VCF-style: chr14-63175125-G-C.
Other names: c.*35C>G (NM_172375.3); short protein forms L690V.
Identifiers: ClinVar variation 2982721 (VCV002982721.3), dbSNP rs1244648748, ClinGen allele CA390101414.

ClinVar aggregate classification (germline): Uncertain significance (1 of 4 stars; one submission).

Conditions:
Early-infantile DEE. Also called: Ohtahara syndrome; Early infantile epileptic encephalopathy; Early infantile epileptic encephalopathy with suppression bursts. Identifiers: Orphanet 1934, MedGen C0393706, MONDO:0800491.

gnomAD v4.1: 1 of 1,610,242 alleles (0.000062%); no homozygotes.

Submission:

Labcorp Genetics (formerly Invitae), Labcorp
Classification: Uncertain significance for Early-infantile DEE. Last evaluated: 2024-02-06. Review status: criteria provided, single submitter. Criteria: Invitae Variant Classification Sherloc (09022015). Collection method: clinical testing. Allele origin: germline.
Comment: This sequence change replaces leucine, which is neutral and non-polar, with valine, which is neutral and non-polar, at codon 690 of the KCNH5 protein (p.Leu690Val). This variant is not present in population databases (gnomAD no frequency). This variant has not been reported in the literature in individuals affected with KCNH5-related conditions. Advanced modeling of protein sequence and biophysical properties (such as structural, functional, and spatial information, amino acid conservation, physicochemical variation, residue mobility, and thermodynamic stability) performed at Invitae indicates that this missense variant is not expected to disrupt KCNH5 protein function with a negative predictive value of 95%. In summary, the available evidence is currently insufficient to determine the role of this variant in disease. Therefore, it has been classified as a Variant of Uncertain Significance.